The following is an entry in ClinVar:

ClinVar aggregate classification (germline): Pathogenic (1 of 4 stars; one submission).

Conditions:
Hypogonadotropic hypogonadism 2 with or without anosmia (HH2). Also called: FGFR1-Related GnRH Deficiency (Kallmann Syndrome 2); HYPOGONADOTROPIC HYPOGONADISM 2 WITHOUT ANOSMIA; HYPOGONADOTROPIC HYPOGONADISM 2 WITH OR WITHOUT ANOSMIA, SUSCEPTIBILITY TO; HYPOGONADOTROPIC HYPOGONADISM 2 WITHOUT ANOSMIA, SUSCEPTIBILITY TO. Identifiers: Orphanet 478, MedGen C1563720, MONDO:0007844, OMIM 147950. Disease mechanism: loss of function.

Submission:

Reproductive Endocrine Unit, Massachusetts General Hospital
Classification: Pathogenic for Hypogonadotropic hypogonadism 2 with or without anosmia. Last evaluated: 2023-05-04. Review status: criteria provided, single submitter. Criteria: ACMG Guidelines, 2015. Collection method: research. Allele origin: de novo. Affected: yes. Observed: 1 variant allele.
Comment: The variant NM_023110.2:c.925C>T, p.(Gln309*) het has been classified as P1a based on the variant meeting the following ACMG Criteria: PVS1,PS2,PM2,PP3.

NM_023110.3(FGFR1):c.925C>T (p.Gln309Ter)

Gene: FGFR1 (fibroblast growth factor receptor 1; minus strand). Cytogenetic location: 8p11.23.
Variant type: single nucleotide variant.
Coding change: c.925C>T on transcript NM_023110.3 (MANE Select); coding-DNA position 925, C replaced by T.
Protein change: p.Gln309Ter; replaces glutamine 309 with a stop codon.
Molecular consequence: nonsense.
Genome position (GRCh38, 1-based): chr8:38,424,520, G>A on the plus strand (C>T on the coding strand, the complement: FGFR1 is on the minus strand). VCF-style: chr8-38424520-G-A. GRCh37 (hg19) VCF-style: chr8-38282038-G-A.
Other names: c.925C>T, p.Gln309Ter (NM_000604.2, NM_001174063.2); c.901C>T, p.Gln301Ter (NM_001174064.2); c.919C>T, p.Gln307Ter (NM_001174065.2, NM_001354367.2, NM_001354369.2 and 2 more transcripts); c.658C>T, p.Gln220Ter (NM_001174066.2, NM_023105.3); c.1018C>T, p.Gln340Ter (NM_001174067.2); c.652C>T, p.Gln218Ter (NM_001354368.2, NM_001354370.2, NM_023106.3); short protein forms Q218*, Q220*, Q301*, Q307*, Q309*, Q340*.
Identifiers: ClinVar variation 2505380 (VCV002505380.1), dbSNP rs2150813223, ClinGen allele CA370734786.